The following is an entry in ClinVar:

NM_001197104.2(KMT2A):c.10646C>G (p.Pro3549Arg)

Gene: KMT2A (lysine methyltransferase 2A; plus strand). Cytogenetic location: 11q23.3.
Variant type: single nucleotide variant.
Coding change: c.10646C>G on transcript NM_001197104.2 (MANE Select); coding-DNA position 10646, C replaced by G.
Protein change: p.Pro3549Arg; replaces proline 3549 with arginine.
Molecular consequence: missense variant.
Genome position (GRCh38, 1-based): chr11:118,506,538, C>G. VCF-style: chr11-118506538-C-G. GRCh37 (hg19) VCF-style: chr11-118377253-C-G.
Other names: c.10736C>G, p.Pro3579Arg (NM_001412597.1); c.10637C>G, p.Pro3546Arg (NM_005933.4); short protein forms P3546R, P3579R, P3549R.
Identifiers: ClinVar variation 3634363 (VCV003634363.2).

ClinVar aggregate classification (germline): Uncertain significance (1 of 4 stars; one submission).

Submission:

Labcorp Genetics (formerly Invitae), Labcorp
Classification: Uncertain significance. Last evaluated: 2024-02-17. Review status: criteria provided, single submitter. Criteria: Invitae Variant Classification Sherloc (09022015). Collection method: clinical testing. Allele origin: germline.
Comment: This sequence change replaces proline, which is neutral and non-polar, with arginine, which is basic and polar, at codon 3549 of the KMT2A protein (p.Pro3549Arg). This variant is present in population databases (no rsID available, gnomAD 0.003%). This variant has not been reported in the literature in individuals affected with KMT2A-related conditions. Advanced modeling of protein sequence and biophysical properties (such as structural, functional, and spatial information, amino acid conservation, physicochemical variation, residue mobility, and thermodynamic stability) performed at Invitae indicates that this missense variant is not expected to disrupt KMT2A protein function with a negative predictive value of 95%. In summary, the available evidence is currently insufficient to determine the role of this variant in disease. Therefore, it has been classified as a Variant of Uncertain Significance.